The following is an entry in ClinVar:

ClinVar aggregate classification (germline): Likely pathogenic (1 of 4 stars; one submission).

Conditions:
Gastrointestinal defect and immunodeficiency syndrome. Also called: Gastrointestinal defects and immunodeficiency syndrome. Identifiers: MedGen C5234880, MONDO:0030831.

Submission:

Women's Health and Genetics/Laboratory Corporation of America, LabCorp
Classification: Likely pathogenic for Gastrointestinal defect and immunodeficiency syndrome. Last evaluated: 2022-05-26. Review status: criteria provided, single submitter. Criteria: LabCorp Variant Classification Summary - May 2015. Collection method: clinical testing. Allele origin: germline.
Comment: Variant summary: TTC7A c.281delA (p.Lys94ArgfsX6) results in a premature termination codon, predicted to cause a truncation of the encoded protein or absence of the protein due to nonsense mediated decay, which are commonly known mechanisms for disease. Truncations upstream and downstream of this position have been classified as pathogenic by our laboratory and/or other laboratories in ClinVar and have been cited as disease-associated in HGMD. The variant was absent in 251486 control chromosomes (gnomAD). To our knowledge, no occurrence of c.281delA in individuals affected with Gastrointestinal Defects And Immunodeficiency Syndrome and no experimental evidence demonstrating its impact on protein function have been reported. No clinical diagnostic laboratories have submitted clinical-significance assessments for this variant to ClinVar after 2014. Based on the evidence outlined above, the variant was classified as likely pathogenic.

NM_020458.4(TTC7A):c.281del (p.Lys94fs)

Gene: TTC7A (tetratricopeptide repeat domain 7A; plus strand). Cytogenetic location: 2p21.
Variant type: Deletion.
Coding change: c.281del on transcript NM_020458.4 (MANE Select); coding-DNA position 281, one base deleted (A; older notation c.281delA).
Protein change: p.Lys94fs; shifts the reading frame from lysine 94.
Molecular consequence: frameshift variant. On other transcripts: 5 prime UTR variant (1).
Genome position (GRCh38, 1-based): chr2:46,950,459, A deleted; the last of 2 consecutive A bases (chr2:46,950,458-46,950,459); deleting either gives the same sequence. VCF-style (leftmost placement, unchanged base first): chr2-46950457-GA-G. GRCh37 (hg19) VCF-style: chr2-47177596-GA-G.
Other names: c.281del, p.Lys94fs (NM_001288951.2); c.179del, p.Lys60fs (NM_001288953.2); c.-624del (NM_001288955.2); short protein forms K60fs, K94fs.
Identifiers: ClinVar variation 1696369 (VCV001696369.1), dbSNP rs2103966533, ClinGen allele CA2580066550.
Genomic context (GRCh38, chr2:46,950,457, plus strand): 5'-CCTGGAGCAGTGTTTGAAGGAGAACCATGCCAAAATAAAAGACTCCATGCCTTTGCTGGA[GA>G]AGAATGAGCCGAAGATGAGCGAAGCCAAAAATTATCTAAGCAGTATCCTTAACCATGGGA-3'